The following is an entry in ClinVar:

ClinVar aggregate classification (germline): Likely benign. Review status: criteria provided, multiple submitters, no conflicts (2 of 4 stars). 4 submissions from 4 submitters: Likely benign (3). 1 of the submissions does not count toward it. Last evaluated 2026-01-19.

Conditions:
AARS2-related disorder. Also called: AARS2-related condition; AARS2-related disorders. Identifiers: MedGen CN381518, MONDO:1060240.

Allele frequency attached by ClinVar (database versions not stated): gnomAD below 0.00001 and 0.00007; gnomAD exomes 0.00026; ExAC 0.00033; 1000 Genomes Project 30x 0.00047; 1000 Genomes Project 0.00060.
gnomAD v4.1: 197 of 1,614,136 alleles (0.012%); highest among the groups gnomAD compares: South Asian, 0.16%; 3 homozygotes.

Submissions (4):

Labcorp Genetics (formerly Invitae), Labcorp
Classification: Likely benign. Last evaluated: 2026-01-19. Review status: criteria provided, single submitter. Criteria: Invitae Variant Classification Sherloc (09022015). Collection method: clinical testing. Allele origin: germline.

Blueprint Genetics
Classification: Likely benign. Last evaluated: 2024-11-13. Review status: criteria provided, single submitter. Criteria: ACMG Guidelines, 2015. Collection method: clinical testing. Allele origin: germline.

GeneDx
Classification: Likely benign. Last evaluated: 2018-01-11. Review status: criteria provided, single submitter. Criteria: GeneDx Variant Classification (06012015). Collection method: clinical testing. Allele origin: germline. Affected: yes.
Comment: This variant is considered likely benign or benign based on one or more of the following criteria: it is a conservative change, it occurs at a poorly conserved position in the protein, it is predicted to be benign by multiple in silico algorithms, and/or has population frequency not consistent with disease.

PreventionGenetics, part of Exact Sciences
Classification: Likely benign for AARS2-related condition. Last evaluated: 2019-06-10. Review status: no assertion criteria provided. Collection method: clinical testing. Allele origin: germline. Not counted in ClinVar's aggregate classification.
Comment: This variant is classified as likely benign based on ACMG/AMP sequence variant interpretation guidelines (Richards et al. 2015 PMID: 25741868, with internal and published modifications).

NM_020745.4(AARS2):c.1281G>A (p.Gly427=)

Gene: AARS2 (alanyl-tRNA synthetase 2, mitochondrial; minus strand). Cytogenetic location: 6p21.1.
Variant type: single nucleotide variant.
Coding change: c.1281G>A on transcript NM_020745.4 (MANE Select); coding-DNA position 1281, G replaced by A.
Protein change: p.Gly427=; no amino-acid change (glycine 427 retained).
Molecular consequence: synonymous variant.
Genome position (GRCh38, 1-based): chr6:44,306,299, C>T on the plus strand (G>A on the coding strand, the complement: AARS2 is on the minus strand). VCF-style: chr6-44306299-C-T. GRCh37 (hg19) VCF-style: chr6-44274036-C-T.
Identifiers: ClinVar variation 506460 (VCV000506460.14), dbSNP rs557359115, ClinGen allele CA3834380.